The following is an entry in ClinVar:

NM_024408.4(NOTCH2):c.3950G>C (p.Gly1317Ala)

Gene: NOTCH2 (notch receptor 2; minus strand). Cytogenetic location: 1p12.
Variant type: single nucleotide variant.
Coding change: c.3950G>C on transcript NM_024408.4 (MANE Select); coding-DNA position 3950, G replaced by C.
Protein change: p.Gly1317Ala; replaces glycine 1317 with alanine.
Molecular consequence: missense variant.
Genome position (GRCh38, 1-based): chr1:119,926,554, C>G on the plus strand (G>C on the coding strand, the complement: NOTCH2 is on the minus strand). VCF-style: chr1-119926554-C-G. GRCh37 (hg19) VCF-style: chr1-120469177-C-G.
Other names: short protein forms G1317A.
Identifiers: ClinVar variation 4705611 (VCV004705611.1).
Genomic context (GRCh38, chr1:119,926,554, plus strand): 5'-CTTACCGGGGGACAACGGCAAATGAAACCATCAGGCATGTTACTGGCCACAGCACAAGTC[C>G]CTCCATTCAGGCAGGGCATCTGGGGACACACATCGACGAAGGTTTCACAGTGCCGGCCTC-3'
Protein context (NP_077719.2, residues 1307-1327): VCPQMPCLNG[Gly1317Ala]TCAVASNMPD

ClinVar aggregate classification (germline): Uncertain significance (1 of 4 stars; one submission).

Conditions:
Hajdu-Cheney syndrome (HJCYS). Also called: Acroosteolysis dominant type; ACROOSTEOLYSIS WITH OSTEOPOROSIS AND CHANGES IN SKULL AND MANDIBLE; SERPENTINE FIBULA-POLYCYSTIC KIDNEY SYNDROME. Identifiers: Orphanet 955, MedGen C0917715, MONDO:0007057, OMIM 102500.

gnomAD v4.1: 5 of 1,609,950 alleles (0.00031%); highest among the groups gnomAD compares: Non-Finnish European, 0.00042%; no homozygotes.

Submission:

Labcorp Genetics (formerly Invitae), Labcorp
Classification: Uncertain significance for Hajdu-Cheney syndrome. Last evaluated: 2026-02-01. Review status: criteria provided, single submitter. Criteria: Invitae Variant Classification Sherloc (09022015). Collection method: clinical testing. Allele origin: germline.
Comment: This sequence change replaces glycine, which is neutral and non-polar, with alanine, which is neutral and non-polar, at codon 1317 of the NOTCH2 protein (p.Gly1317Ala). This variant is present in population databases (no rsID available, gnomAD 0.0009%). This variant has not been reported in the literature in individuals affected with NOTCH2-related conditions. Invitae Evidence Modeling of protein sequence and biophysical properties (such as structural, functional, and spatial information, amino acid conservation, physicochemical variation, residue mobility, and thermodynamic stability) indicates that this missense variant is not expected to disrupt NOTCH2 protein function with a negative predictive value of 80%. In summary, the available evidence is currently insufficient to determine the role of this variant in disease. Therefore, it has been classified as a Variant of Uncertain Significance.